The following is an entry in ClinVar:

NM_006648.4(WNK2):c.6583A>C (p.Thr2195Pro)

Gene: WNK2 (WNK lysine deficient protein kinase 2; plus strand). Cytogenetic location: 9q22.31.
Variant type: single nucleotide variant.
Coding change: c.6583A>C on transcript NM_006648.4 (MANE Select); coding-DNA position 6583, A replaced by C.
Protein change: p.Thr2195Pro; replaces threonine 2195 with proline.
Molecular consequence: missense variant.
Genome position (GRCh38, 1-based): chr9:93,317,586, A>C. VCF-style: chr9-93317586-A-C. GRCh37 (hg19) VCF-style: chr9-96079868-A-C.
Other names: c.6694A>C, p.Thr2232Pro (NM_001282394.3); short protein forms T2232P, T2195P.
Identifiers: ClinVar variation 3816761 (VCV003816761.1).

ClinVar aggregate classification (germline): Uncertain significance (1 of 4 stars; one submission).

gnomAD v4.1: 26 of 1,613,234 alleles (0.0016%); highest among the groups gnomAD compares: Non-Finnish European, 0.0022%; no homozygotes.

Submission:

Ambry Genetics
Classification: Uncertain significance. Last evaluated: 2025-01-06. Review status: criteria provided, single submitter. Criteria: Ambry Variant Classification Scheme 2023. Collection method: clinical testing. Allele origin: germline.
Comment: The p.T2195P variant (also known as c.6583A>C), located in coding exon 28 of the WNK2 gene, results from an A to C substitution at nucleotide position 6583. The threonine at codon 2195 is replaced by proline, an amino acid with highly similar properties. This amino acid position is conserved. In addition, this alteration is predicted to be tolerated by in silico analysis. Based on the available evidence, the clinical significance of this variant remains unclear.